The following is an entry in ClinVar:

ClinVar aggregate classification (germline): Uncertain significance. Review status: criteria provided, multiple submitters, no conflicts (2 of 4 stars). 3 submissions from 3 submitters: Uncertain significance (3). Last evaluated 2025-06-20.

Conditions:
Symmetrical dyschromatosis of extremities (DSH). Also called: DYSCHROMATOSIS SYMMETRICA HEREDITARIA 1; RETICULATE ACROPIGMENTATION OF DOHI; SYMMETRIC DYSCHROMATOSIS OF THE EXTREMITIES; Dyschromatosis symmetrica hereditaria. Identifiers: Orphanet 41, MedGen C0406775, MONDO:0007483, OMIM 127400.
Aicardi-Goutieres syndrome 6 (AGS6). Identifiers: Orphanet 51, MedGen C3539013, MONDO:0014007, OMIM 615010.

Allele frequency attached by ClinVar (database versions not stated): gnomAD 0.00001; TOPMed 0.00002; ExAC 0.00002; gnomAD exomes 0.00001.
gnomAD v4.1: 14 of 1,612,980 alleles (0.00087%); highest among the groups gnomAD compares: East Asian, 0.0045%; no homozygotes.

Submissions (3):

Labcorp Genetics (formerly Invitae), Labcorp
Classification: Uncertain significance for Aicardi-Goutieres syndrome 6; Symmetrical dyschromatosis of extremities. Last evaluated: 2025-06-20. Review status: criteria provided, single submitter. Criteria: Invitae Variant Classification Sherloc (09022015). Collection method: clinical testing. Allele origin: germline.
Comment: This sequence change replaces lysine, which is basic and polar, with arginine, which is basic and polar, at codon 366 of the ADAR protein (p.Lys366Arg). This variant is present in population databases (rs770795921, gnomAD 0.003%). This variant has not been reported in the literature in individuals affected with ADAR-related conditions. ClinVar contains an entry for this variant (Variation ID: 875437). Invitae Evidence Modeling of protein sequence and biophysical properties (such as structural, functional, and spatial information, amino acid conservation, physicochemical variation, residue mobility, and thermodynamic stability) indicates that this missense variant is not expected to disrupt ADAR protein function with a negative predictive value of 80%. In summary, the available evidence is currently insufficient to determine the role of this variant in disease. Therefore, it has been classified as a Variant of Uncertain Significance.

Genome-Nilou Lab
Classification: Uncertain significance for Aicardi-Goutieres syndrome 6. Last evaluated: 2023-04-11. Review status: criteria provided, single submitter. Criteria: ACMG Guidelines, 2015. Collection method: clinical testing. Allele origin: germline. Affected: no.

Illumina Laboratory Services, Illumina
Classification: Uncertain significance for Symmetrical dyschromatosis of extremities. Last evaluated: 2017-04-28. Review status: criteria provided, single submitter. Criteria: ICSL Variant Classification Criteria 13 December 2019. Collection method: clinical testing. Allele origin: germline.

NM_001111.5(ADAR):c.1097A>G (p.Lys366Arg)

Gene: ADAR (adenosine deaminase RNA specific; minus strand). Cytogenetic location: 1q21.3.
Variant type: single nucleotide variant.
Coding change: c.1097A>G on transcript NM_001111.5 (MANE Select); coding-DNA position 1097, A replaced by G.
Protein change: p.Lys366Arg; replaces lysine 366 with arginine.
Molecular consequence: missense variant.
Genome position (GRCh38, 1-based): chr1:154,601,545, T>C on the plus strand (A>G on the coding strand, the complement: ADAR is on the minus strand). VCF-style: chr1-154601545-T-C. GRCh37 (hg19) VCF-style: chr1-154574021-T-C.
Other names: c.212A>G, p.Lys71Arg (NM_001025107.3, NM_001193495.2, NM_001365046.1 and 3 more transcripts); c.1124A>G, p.Lys375Arg (NM_001365045.1); c.1097A>G, p.Lys366Arg (NM_015840.4, NM_015841.4); short protein forms K366R, K375R, K71R.
Identifiers: ClinVar variation 875437 (VCV000875437.10), dbSNP rs770795921, ClinGen allele CA1131591.